The following is an entry in ClinVar:

ClinVar aggregate classification (germline): Likely pathogenic (1 of 4 stars; one submission).

Conditions:
Sialidosis type 2. Also called: NEURAMINIDASE DEFICIENCY; Mucolipidosis type 1; NEU 1 deficiency; GLYCOPROTEIN NEURAMINIDASE DEFICIENCY; LIPOMUCOPOLYSACCHARIDOSIS; SIALIDASE DEFICIENCY. Identifiers: Orphanet 812, Orphanet 87876, MedGen C4282398, MONDO:0009738, OMIM 256550.

gnomAD v4.1: 1 of 1,613,102 alleles (0.000062%); no homozygotes.

Submission:

Neuberg Centre For Genomic Medicine, NCGM
Classification: Likely pathogenic for Sialidosis type 2. Last evaluated: 2023-05-20. Review status: criteria provided, single submitter. Criteria: ACMG Guidelines, 2015. Collection method: clinical testing. Allele origin: germline. Inheritance: Autosomal recessive inheritance. Affected: yes.
Comment: The splice donor c.352+1G>T variant in the NEU1 gene has not been reported previously as a pathogenic variant nor as a benign variant, to our knowledge. The variant is absent in gnomAD Exomes. The variant affects the GT donor splice site downstream of exon 2. Loss of function variants have been previously reported to be disease causing. The Splice AI tool predicts the variant to be damaging. For these reasons, this variant has been classified as Likely Pathogenic.

NM_000434.4(NEU1):c.352+1G>T

Gene: NEU1 (neuraminidase 1; minus strand). Cytogenetic location: 6p21.33.
Variant type: single nucleotide variant.
Coding change: c.352+1G>T on transcript NM_000434.4 (MANE Select); the canonical splice donor site of the intron after coding-DNA position 352, G replaced by T.
Molecular consequence: splice donor variant.
Genome position (GRCh38, 1-based): chr6:31,861,998, C>A on the plus strand (G>T on the coding strand, the complement: NEU1 is on the minus strand). VCF-style: chr6-31861998-C-A. GRCh37 (hg19) VCF-style: chr6-31829775-C-A.
Identifiers: ClinVar variation 3341344 (VCV003341344.1).